The following is an entry in ClinVar:

ClinVar aggregate classification (germline): Pathogenic/Likely pathogenic. Review status: criteria provided, multiple submitters, no conflicts (2 of 4 stars). 4 submissions from 4 submitters: Pathogenic (3); Likely pathogenic (1). Last evaluated 2023-06-28.

Conditions:
Familial cancer of breast. Also called: Hereditary breast cancer; hereditary breast carcinoma; BREAST CANCER, FAMILIAL. Identifiers: Orphanet 227535, MedGen C0346153, MONDO:0016419, OMIM 114480. Disease mechanism: loss of function.
Hereditary cancer-predisposing syndrome. Also called: Neoplastic Syndromes, Hereditary; Hereditary Cancer Syndrome; Tumor predisposition; Hereditary neoplastic syndrome. Identifiers: Orphanet 140162, MedGen C0027672, MeSH D009386, MONDO:0015356.

Submissions (4):

Myriad Genetics, Inc.
Classification: Pathogenic for Familial cancer of breast. Last evaluated: 2023-06-28. Review status: criteria provided, single submitter. Criteria: Myriad Autosomal Dominant, Autosomal Recessive and X-Linked Classification Criteria (2023). Collection method: clinical testing. Allele origin: unknown.
Comment: This variant is considered pathogenic. This variant creates a frameshift predicted to result in premature protein truncation.

Ambry Genetics
Classification: Pathogenic for Hereditary cancer-predisposing syndrome. Last evaluated: 2022-07-18. Review status: criteria provided, single submitter. Criteria: Ambry Variant Classification Scheme 2023. Collection method: clinical testing. Allele origin: germline.
Comment: The c.1164delC pathogenic mutation, located in coding exon 10 of the CHEK2 gene, results from a deletion of one nucleotide at nucleotide position 1164, causing a translational frameshift with a predicted alternate stop codon (p.T389Pfs*25). This alteration has been reported in 1/1197 individuals from Greece, Romania, and Turkey undergoing evaluation for inherited cancer predisposition (Tsaousis GN et al. BMC Cancer, 2019 Jun;19:535). This variant is considered to be rare based on population cohorts in the Genome Aggregation Database (gnomAD). In addition to the clinical data presented in the literature, this alteration is expected to result in loss of function by premature protein truncation or nonsense-mediated mRNA decay. As such, this alteration is interpreted as a disease-causing mutation.

Labcorp Genetics (formerly Invitae), Labcorp
Classification: Pathogenic for Familial cancer of breast. Last evaluated: 2021-02-10. Review status: criteria provided, single submitter. Criteria: Invitae Variant Classification Sherloc (09022015). Collection method: clinical testing. Allele origin: germline.
Comment: For these reasons, this variant has been classified as Pathogenic. This variant has been observed in individual(s) with a personal and/or family history of breast and/or ovarian cancer (PMID: 31159747). ClinVar contains an entry for this variant (Variation ID: 584467). This variant is not present in population databases (ExAC no frequency). This sequence change creates a premature translational stop signal (p.Thr389Profs*25) in the CHEK2 gene. It is expected to result in an absent or disrupted protein product. Loss-of-function variants in CHEK2 are known to be pathogenic (PMID: 21876083, 24713400).

GeneKor MSA
Classification: Likely pathogenic for Hereditary cancer-predisposing syndrome. Last evaluated: 2020-01-01. Review status: criteria provided, single submitter. Criteria: ACMG Guidelines, 2015. Collection method: clinical testing. Allele origin: germline. Affected: yes.
Comment: This variant is a single base pair deletion from exon 11 of the CHEK2 mRNA, causing a frameshift after codon 389 and this creates a premature translational stop signal 25 amino acid residues later. This is expected to result in an absent or disrupted protein product. Truncating variants in CHEK2 are known to be pathogenic (PMID: 21876083, 24713400). This variant has been described in the international literature in an individual undergoing panel testing for hereditary syndrome (PMID: 31159747).

Literature cited by the submitters: PubMed 31159747 (cited by Ambry Genetics and Labcorp Genetics (formerly Invitae), Labcorp); PubMed 21876083 (cited by Labcorp Genetics (formerly Invitae), Labcorp); PubMed 24713400 (cited by Labcorp Genetics (formerly Invitae), Labcorp).

NM_007194.4(CHEK2):c.1164del (p.Thr389fs)

Gene: CHEK2 (checkpoint kinase 2; minus strand). Cytogenetic location: 22q12.1.
Variant type: Deletion.
Coding change: c.1164del on transcript NM_007194.4 (MANE Select); coding-DNA position 1164, one base deleted (C; older notation c.1164delC).
Protein change: p.Thr389fs; shifts the reading frame from threonine 389.
Molecular consequence: frameshift variant.
Genome position (GRCh38, 1-based): chr22:28,695,805, G deleted on the plus strand (C on the coding strand, the reverse complement: CHEK2 is on the minus strand); the first of 5 consecutive G bases (chr22:28,695,805-28,695,809); deleting any one gives the same sequence. VCF-style (leftmost placement, unchanged base first): chr22-28695804-TG-T. GRCh37 (hg19) VCF-style: chr22-29091792-TG-T.
Other names: c.1289delC, p.Thr432Profs (NM_001005735.3); c.497delC, p.Thr168Profs (NM_001257387.3); c.959delC, p.Thr322Profs (NM_001349956.3); c.1073delC, p.Thr360Profs (NM_145862.3); short protein forms T168fs, T389fs, T322fs, T360fs, T432fs.
Identifiers: ClinVar variation 584467 (VCV000584467.15), dbSNP rs758677815, ClinGen allele CA891844288.